The following is an entry in ClinVar:

ClinVar aggregate classification (germline): Uncertain significance. Review status: criteria provided, multiple submitters, no conflicts (2 of 4 stars). 2 submissions from 2 submitters: Uncertain significance (2). Last evaluated 2026-06-08.

Conditions:
Hereditary cancer-predisposing syndrome. Also called: Hereditary Cancer Syndrome; Tumor predisposition; Hereditary neoplastic syndrome; Neoplastic Syndromes, Hereditary. Identifiers: Orphanet 140162, MedGen C0027672, MeSH D009386, MONDO:0015356.
Ataxia-telangiectasia syndrome (AT). Also called: Ataxia telangiectasia (A-T); Cerebello-oculocutaneous telangiectasia; Immunodeficiency with ataxia telangiectasia; LOUIS-BAR SYNDROME; ATAXIA-TELANGIECTASIA, COMPLEMENTATION GROUP A; ATAXIA-TELANGIECTASIA, FRESNO VARIANT. Identifiers: Orphanet 100, MedGen C0004135, MONDO:0008840, OMIM 208900.

gnomAD v4.1: 1 of 1,613,924 alleles (0.000062%); no homozygotes.

Submissions (2):

Ambry Genetics
Classification: Uncertain significance for Hereditary cancer-predisposing syndrome. Last evaluated: 2026-06-08. Review status: criteria provided, single submitter. Criteria: Ambry Variant Classification Scheme 2023. Collection method: clinical testing. Allele origin: germline.
Comment: The p.R153G variant (also known as c.457A>G), located in coding exon 4 of the ATM gene, results from an A to G substitution at nucleotide position 457. The arginine at codon 153 is replaced by glycine, an amino acid with dissimilar properties. This amino acid position is highly conserved in available vertebrate species. In addition, this alteration is predicted to be deleterious by in silico analysis. Based on the available evidence, the clinical significance of this variant remains unclear.

Labcorp Genetics (formerly Invitae), Labcorp
Classification: Uncertain significance for Ataxia-telangiectasia syndrome. Last evaluated: 2024-05-12. Review status: criteria provided, single submitter. Criteria: Invitae Variant Classification Sherloc (09022015). Collection method: clinical testing. Allele origin: germline.
Comment: This sequence change replaces arginine, which is basic and polar, with glycine, which is neutral and non-polar, at codon 153 of the ATM protein (p.Arg153Gly). This variant is not present in population databases (gnomAD no frequency). This variant has not been reported in the literature in individuals affected with ATM-related conditions. ClinVar contains an entry for this variant (Variation ID: 453527). An algorithm developed to predict the effect of missense changes on protein structure and function (PolyPhen-2) suggests that this variant is likely to be disruptive. In summary, the available evidence is currently insufficient to determine the role of this variant in disease. Therefore, it has been classified as a Variant of Uncertain Significance.

NM_000051.4(ATM):c.457A>G (p.Arg153Gly)

Gene: ATM (ATM serine/threonine kinase; plus strand). Cytogenetic location: 11q22.3.
Variant type: single nucleotide variant.
Coding change: c.457A>G on transcript NM_000051.4 (MANE Select); coding-DNA position 457, A replaced by G.
Protein change: p.Arg153Gly; replaces arginine 153 with glycine.
Molecular consequence: missense variant.
Genome position (GRCh38, 1-based): chr11:108,235,795, A>G. VCF-style: chr11-108235795-A-G. GRCh37 (hg19) VCF-style: chr11-108106522-A-G.
Other names: c.457A>G, p.Arg153Gly (NM_001351834.2); short protein forms R153G.
Identifiers: ClinVar variation 453527 (VCV000453527.8), dbSNP rs1555059438, ClinGen allele CA382525412.